The following is an entry in ClinVar:

ClinVar aggregate classification (germline): Pathogenic/Likely pathogenic. Review status: criteria provided, multiple submitters, no conflicts (2 of 4 stars). 3 submissions from 3 submitters: Pathogenic (1); Likely pathogenic (2). Last evaluated 2026-01-20.

Conditions:
Recessive dystrophic epidermolysis bullosa (RDEB). Also called: DYSTROPHIC EPIDERMOLYSIS BULLOSA, AUTOSOMAL RECESSIVE; EPIDERMOLYSIS BULLOSA DYSTROPHICA, HALLOPEAU-SIEMENS TYPE; epidermolysis bullosa dystrophica, autosomal recessive; Recessive DEB (RDEB); severe generalized recessive dystrophic epidermolysis bullosa; EPIDERMOLYSIS BULLOSA DYSTROPHICA, GENERALIZED SEVERE, AUTOSOMAL RECESSIVE. Identifiers: Orphanet 79408, Orphanet 79409, MedGen C0079474, MONDO:0009179, OMIM 226600.
Transient bullous dermolysis of the newborn (TBDN). Also called: DYSTROPHIC EPIDERMOLYSIS BULLOSA, NEONATAL; EPIDERMOLYSIS BULLOSA DYSTROPHICA, NEONATAL FORM. Identifiers: Orphanet 79411, MedGen C1851573, MONDO:0007548, OMIM 131705.
Pretibial dystrophic epidermolysis bullosa. Also called: EPIDERMOLYSIS BULLOSA DYSTROPHICA, PRETIBIAL; Pretibial blistering; Pretibial epidermolysis bullosa. Identifiers: Orphanet 79410, MedGen C0432321, MONDO:0007552, OMIM 131850, HP:0012221.
Nonsyndromic congenital nail disorder 8. Also called: TOENAIL DYSTROPHY, ISOLATED. Identifiers: MedGen C1843761, MONDO:0011852, OMIM 607523.
Dominant dystrophic epidermolysis bullosa with absence of skin. Also called: EPIDERMOLYSIS BULLOSA WITH CONGENITAL LOCALIZED ABSENCE OF SKIN AND DEFORMITY OF NAILS; EPIDERMOLYSIS BULLOSA DYSTROPHICA, BART TYPE. Identifiers: MedGen C0268371, MONDO:0007557, OMIM 132000.
Epidermolysis bullosa pruriginosa. Also called: DEB, PRURIGINOSA; DYSTROPHIC EPIDERMOLYSIS BULLOSA PRURIGINOSA. Identifiers: Orphanet 89843, MedGen C1275114, MONDO:0011398, OMIM 604129.
Generalized dominant dystrophic epidermolysis bullosa (DDEB). Also called: Dominant DEB (DDEB); DDEB, generalized; DDEB-gen; DYSTROPHIC EPIDERMOLYSIS BULLOSA, AUTOSOMAL DOMINANT; Epidermolysis bullosa dystrophica, autosomal dominant. Identifiers: Orphanet 231568, MedGen C0432322, MONDO:0007549, OMIM 131750.
Epidermolysis bullosa dystrophica. Also called: Dystrophic epidermolysis bullosa, Hallopeau-Siemens type (formerly); Dystrophic epidermolysis bullosa. Identifiers: Orphanet 303, MedGen C0079294, MONDO:0006543.

Allele frequency attached by ClinVar (database versions not stated): gnomAD exomes 0.00001; ExAC 0.00002.
gnomAD v4.1: 11 of 1,613,950 alleles (0.00068%); highest among the groups gnomAD compares: South Asian, 0.0022%; no homozygotes.

Submissions (3):

Labcorp Genetics (formerly Invitae), Labcorp
Classification: Pathogenic. Last evaluated: 2026-01-20. Review status: criteria provided, single submitter. Criteria: Invitae Variant Classification Sherloc (09022015). Collection method: clinical testing. Allele origin: germline.
Comment: This sequence change replaces glycine, which is neutral and non-polar, with serine, which is neutral and polar, at codon 1284 of the COL7A1 protein (p.Gly1284Ser). This variant is present in population databases (rs764353299, gnomAD 0.003%). This missense change has been observed in individual(s) with autosomal recessive dystrophic epidermolysis bullosa (PMID: 29963685). In at least one individual the data is consistent with being in trans (on the opposite chromosome) from a pathogenic variant. ClinVar contains an entry for this variant (Variation ID: 1409788). Invitae Evidence Modeling of protein sequence and biophysical properties (such as structural, functional, and spatial information, amino acid conservation, physicochemical variation, residue mobility, and thermodynamic stability) indicates that this missense variant is expected to disrupt COL7A1 protein function with a positive predictive value of 95%. This variant disrupts the triple helix domain of COL7A1. Glycine residues within the Gly-Xaa-Yaa repeats of the triple helix domain are required for the structure and stability of fibrillar collagens (PMID: 7695699, 8218237, 19344236), and variants at these glycine residues in COL7A1 are more frequently observed in individuals with disease than in the general population (PMID: 22058051). However, the clinical significance of this observation remains uncertain since only a limited number of affected individuals have been described to date. For these reasons, this variant has been classified as Pathogenic.

Natera, Inc.
Classification: Likely pathogenic for Dystrophic epidermolysis bullosa. Last evaluated: 2025-04-10. Review status: criteria provided, single submitter. Criteria: Natera Variant Classification Schema (03/2026). Collection method: clinical testing. Allele origin: germline.
Comment: The c.3850G>A variant in COL7A1 is a missense variant predicted to cause substitution of glycine to serine at amino acid 1284. This variant is rare in the general population with a frequency below the threshold expected for the associated phenotype(s). This variant has been observed in one or more individuals affected with the associated recessive disease, as either homozygous or compound heterozygous with a second variant (PMID: 29963685). This variant has been identified in one or more affected individuals with a phenotype highly consistent with the associated gene (PMID: 29963685). Computational prediction algorithms indicate this variant is likely to affect gene or protein function. Given the available evidence, this variant is classified as Likely Pathogenic.

Fulgent Genetics
Classification: Likely pathogenic for Transient bullous dermolysis of the newborn; Generalized dominant dystrophic epidermolysis bullosa; Pretibial dystrophic epidermolysis bullosa; Dominant dystrophic epidermolysis bullosa with absence of skin; Recessive dystrophic epidermolysis bullosa; Epidermolysis bullosa pruriginosa; Nonsyndromic congenital nail disorder 8. Last evaluated: 2024-04-11. Review status: criteria provided, single submitter. Criteria: ACMG Guidelines, 2015. Collection method: clinical testing. Allele origin: germline.

Literature cited by the submitters: PubMed 29963685 (cited by Labcorp Genetics (formerly Invitae), Labcorp and Natera, Inc.); PubMed 7695699 (cited by Labcorp Genetics (formerly Invitae), Labcorp); PubMed 8218237 (cited by Labcorp Genetics (formerly Invitae), Labcorp); PubMed 19344236 (cited by Labcorp Genetics (formerly Invitae), Labcorp); PubMed 22058051 (cited by Labcorp Genetics (formerly Invitae), Labcorp).

NM_000094.4(COL7A1):c.3850G>A (p.Gly1284Ser)

Gene: COL7A1 (collagen type VII alpha 1 chain; minus strand). Cytogenetic location: 3p21.31.
Variant type: single nucleotide variant.
Coding change: c.3850G>A on transcript NM_000094.4 (MANE Select); coding-DNA position 3850, G replaced by A.
Protein change: p.Gly1284Ser; replaces glycine 1284 with serine.
Molecular consequence: missense variant.
Genome position (GRCh38, 1-based): chr3:48,585,601, C>T on the plus strand (G>A on the coding strand, the complement: COL7A1 is on the minus strand). VCF-style: chr3-48585601-C-T. GRCh37 (hg19) VCF-style: chr3-48623034-C-T.
Other names: c.3850G>A (NM_000094.3); short protein forms G1284S.
Identifiers: ClinVar variation 1409788 (VCV001409788.8), dbSNP rs764353299, ClinGen allele CA2380357.